The following is an entry in ClinVar:

ClinVar aggregate classification (germline): Uncertain significance (1 of 4 stars; one submission).

Conditions:
Malignant hyperthermia, susceptibility to, 5 (MHS5). Also called: CACNA1S-Related Malignant Hyperthermia Susceptibility. Identifiers: Orphanet 423, MedGen C1866077, MONDO:0011163, OMIM 601887.

Allele frequency attached by ClinVar (database versions not stated): gnomAD exomes below 0.00001.
gnomAD v4.1: 1 of 1,613,728 alleles (0.000062%); highest among the groups gnomAD compares: Non-Finnish European, 0.000085%; no homozygotes.

Submission:

All of Us Research Program, National Institutes of Health
Classification: Uncertain significance for Malignant hyperthermia, susceptibility to, 5. Last evaluated: 2023-02-24. Review status: criteria provided, single submitter. Criteria: ACMG Guidelines, 2015. Collection method: clinical testing. Allele origin: germline. Inheritance: Autosomal dominant inheritance. Observed: 1 variant allele, 1 heterozygote.
Comment: This missense variant replaces glycine with aspartic acid at codon 713 of the CACNA1S protein. Computational prediction suggests that this variant may not impact protein structure and function (internally defined REVEL score threshold <= 0.5, PMID: 27666373). To our knowledge, functional studies have not been reported for this variant. This variant has not been reported in individuals affected with CACNA1S-related disorders in the literature. This variant has not been identified in the general population by the Genome Aggregation Database (gnomAD). The available evidence is insufficient to determine the role of this variant in disease conclusively. Therefore, this variant is classified as a Variant of Uncertain Significance.

This study involves interpretation of variants in research participants for the purpose of population health screening. Participant phenotype was not available at the time of variant classification. Additional details can be found in publication PMID: 35346344, PMCID: PMC8962531

NM_000069.3(CACNA1S):c.2138G>A (p.Gly713Asp)

Gene: CACNA1S (calcium voltage-gated channel subunit alpha1 S; minus strand). Cytogenetic location: 1q32.1.
Variant type: single nucleotide variant.
Coding change: c.2138G>A on transcript NM_000069.3 (MANE Select); coding-DNA position 2138, G replaced by A.
Protein change: p.Gly713Asp; replaces glycine 713 with aspartic acid.
Molecular consequence: missense variant.
Genome position (GRCh38, 1-based): chr1:201,073,568, C>T on the plus strand (G>A on the coding strand, the complement: CACNA1S is on the minus strand). VCF-style: chr1-201073568-C-T. GRCh37 (hg19) VCF-style: chr1-201042696-C-T.
Other names: short protein forms G713D.
Identifiers: ClinVar variation 3069504 (VCV003069504.1), dbSNP rs1255214206, ClinGen allele CA344113190.